The following is an entry in ClinVar:

NM_000038.6(APC):c.2696C>G (p.Thr899Ser)

Gene: APC (APC regulator of Wnt signaling pathway; plus strand). Cytogenetic location: 5q22.2.
Variant type: single nucleotide variant.
Coding change: c.2696C>G on transcript NM_000038.6 (MANE Select); coding-DNA position 2696, C replaced by G.
Protein change: p.Thr899Ser; replaces threonine 899 with serine.
Molecular consequence: missense variant.
Genome position (GRCh38, 1-based): chr5:112,838,290, C>G. VCF-style: chr5-112838290-C-G. GRCh37 (hg19) VCF-style: chr5-112173987-C-G.
Other names: c.2696C>G, p.Thr899Ser (NM_001127510.3, NM_001354895.2); c.2642C>G, p.Thr881Ser (NM_001127511.3); c.2750C>G, p.Thr917Ser (NM_001354896.2); c.2726C>G, p.Thr909Ser (NM_001354897.2); c.2621C>G, p.Thr874Ser (NM_001354898.2); c.2612C>G, p.Thr871Ser (NM_001354899.2); c.2573C>G, p.Thr858Ser (NM_001354900.2); c.2519C>G, p.Thr840Ser (NM_001354901.2); and 5 more; short protein forms T881S, T899S, T616S, T874S, T739S, T871S, T909S, T917S.
Identifiers: ClinVar variation 220833 (VCV000220833.13), dbSNP rs864622670, ClinGen allele CA349199.

ClinVar aggregate classification (germline): Uncertain significance. Review status: criteria provided, multiple submitters, no conflicts (2 of 4 stars). 3 submissions from 3 submitters: Uncertain significance (3). Last evaluated 2024-12-04.

Conditions:
Hereditary cancer-predisposing syndrome. Also called: Hereditary neoplastic syndrome; Tumor predisposition; Hereditary Cancer Syndrome; Neoplastic Syndromes, Hereditary. Identifiers: Orphanet 140162, MedGen C0027672, MeSH D009386, MONDO:0015356.
Familial adenomatous polyposis 1 (FAP1). Also called: FAMILIAL ADENOMATOUS POLYPOSIS 1, ATTENUATED; POLYPOSIS, ADENOMATOUS INTESTINAL. Identifiers: MedGen C2713442, MONDO:0021056, OMIM 175100. Disease mechanism: loss of function.

Submissions (3):

Labcorp Genetics (formerly Invitae), Labcorp
Classification: Uncertain significance for Familial adenomatous polyposis 1. Last evaluated: 2024-12-04. Review status: criteria provided, single submitter. Criteria: Invitae Variant Classification Sherloc (09022015). Collection method: clinical testing. Allele origin: germline.
Comment: This sequence change replaces threonine, which is neutral and polar, with serine, which is neutral and polar, at codon 899 of the APC protein (p.Thr899Ser). This variant is not present in population databases (gnomAD no frequency). This variant has not been reported in the literature in individuals affected with APC-related conditions. ClinVar contains an entry for this variant (Variation ID: 220833). Invitae Evidence Modeling of protein sequence and biophysical properties (such as structural, functional, and spatial information, amino acid conservation, physicochemical variation, residue mobility, and thermodynamic stability) indicates that this missense variant is not expected to disrupt APC protein function with a negative predictive value of 95%. In summary, the available evidence is currently insufficient to determine the role of this variant in disease. Therefore, it has been classified as a Variant of Uncertain Significance.

Color Diagnostics, LLC DBA Color Health
Classification: Uncertain significance for Hereditary cancer-predisposing syndrome. Last evaluated: 2021-01-19. Review status: criteria provided, single submitter. Criteria: ACMG Guidelines, 2015. Collection method: clinical testing. Allele origin: germline.
Comment: This missense variant replaces threonine with serine at codon 899 of the APC protein. Computational prediction suggests that this variant may not impact protein structure and function (internally defined REVEL score threshold <= 0.5, PMID: 27666373). To our knowledge, functional studies have not been reported for this variant. This variant has not been reported in individuals affected with hereditary cancer in the literature. This variant has not been identified in the general population by the Genome Aggregation Database (gnomAD). The available evidence is insufficient to determine the role of this variant in disease conclusively. Therefore, this variant is classified as a Variant of Uncertain Significance.

Ambry Genetics
Classification: Uncertain significance for Hereditary cancer-predisposing syndrome. Last evaluated: 2019-12-30. Review status: criteria provided, single submitter. Criteria: Ambry Variant Classification Scheme 2023. Collection method: clinical testing. Allele origin: germline.
Comment: The p.T899S variant (also known as c.2696C>G), located in coding exon 15 of the APC gene, results from a C to G substitution at nucleotide position 2696. The threonine at codon 899 is replaced by serine, an amino acid with similar properties. This amino acid position is not well conserved in available vertebrate species. In addition, in silico predictors for this gene do not accurately predict pathogenicity. Since supporting evidence is limited at this time, the clinical significance of this alteration remains unclear.